The following is an entry in ClinVar:

NM_000263.4(NAGLU):c.1441C>T (p.Arg481Trp)

Gene: NAGLU (N-acetyl-alpha-glucosaminidase; plus strand). Cytogenetic location: 17q21.2.
Variant type: single nucleotide variant.
Coding change: c.1441C>T on transcript NM_000263.4 (MANE Select); coding-DNA position 1441, C replaced by T.
Protein change: p.Arg481Trp; replaces arginine 481 with tryptophan.
Molecular consequence: missense variant.
Genome position (GRCh38, 1-based): chr17:42,543,447, C>T. VCF-style: chr17-42543447-C-T. GRCh37 (hg19) VCF-style: chr17-40695465-C-T.
Other names: c.1441C>T (NM_000263.3); short protein forms R481W.
Identifiers: ClinVar variation 1421903 (VCV001421903.9), dbSNP rs747529593, ClinGen allele CA8577021.
Genomic context (GRCh38, chr17:42,543,447, plus strand): 5'-CTGGGCTGGCGAAAGGACCCAGTGCCAGATTTGGCAGCCTGGGTGACCAGCTTTGCCGCC[C>T]GGCGGTATGGGGTCTCCCACCCGGACGCAGGGGCAGCGTGGAGGCTACTGCTCCGGAGTG-3'
Protein context (NP_000254.2, residues 471-491): LAAWVTSFAA[Arg481Trp]RYGVSHPDAG

ClinVar aggregate classification (germline): Conflicting classifications of pathogenicity. Review status: criteria provided, conflicting classifications (1 of 4 stars). 6 submissions from 6 submitters: Likely pathogenic (1); Uncertain significance (5). Last evaluated 2026-03-13.

Conditions:
Mucopolysaccharidosis, MPS-III-B (MPS3B). Also called: SANFILIPPO SYNDROME B; MPS III B; N-ACETYL-ALPHA-D-GLUCOSAMINIDASE DEFICIENCY; NAGLU DEFICIENCY; Mucopolysaccharidosis type IIIB (Sanfilippo B); MUCOPOLYSACCHARIDOSIS, TYPE IIIB. Identifiers: Orphanet 79270, MedGen C0086648, MONDO:0009656, OMIM 252920.
Charcot-Marie-Tooth disease axonal type 2V. Also called: CHARCOT-MARIE-TOOTH NEUROPATHY, TYPE 2V; CHARCOT-MARIE-TOOTH DISEASE, AXONAL, AUTOSOMAL DOMINANT, TYPE 2V. Identifiers: Orphanet 447964, MedGen C5569050, MONDO:0014665, OMIM 616491.
NAGLU-related disorder. Also called: NAGLU-related condition.
Inborn genetic diseases. Identifiers: MedGen C0950123, MeSH D030342.

Allele frequency attached by ClinVar (database versions not stated): ExAC 0.00001; gnomAD 0.00005.
gnomAD v4.1: 25 of 1,598,316 alleles (0.0016%); highest among the groups gnomAD compares: African/African-American, 0.015%; no homozygotes.

Submissions (6):

PreventionGenetics, part of Exact Sciences
Classification: Uncertain significance for NAGLU-related condition. Last evaluated: 2026-03-13. Review status: criteria provided, single submitter. Criteria: ACMG Guidelines, 2015. Collection method: clinical testing. Allele origin: germline.
Comment: The NAGLU c.1441C>T variant is predicted to result in the amino acid substitution p.Arg481Trp. To our knowledge, this variant has not been reported in an individual with NAGLU-associated disorder. In vitro functional studies show that this variant results in ~9% of residual enzymatic activity of a wild type (Table S1, Clark et al. 2018. PubMed ID: 29979746). This variant is reported in 0.013% of alleles in individuals of African descent in gnomAD. At this time, the clinical significance of this variant is uncertain due to the absence of conclusive functional and genetic evidence.

Ambry Genetics
Classification: Uncertain significance for Inborn genetic diseases. Last evaluated: 2025-06-13. Review status: criteria provided, single submitter. Criteria: Ambry Variant Classification Scheme 2023. Collection method: clinical testing. Allele origin: germline.
Comment: The c.1441C>T (p.R481W) alteration is located in exon 6 (coding exon 6) of the NAGLU gene. This alteration results from a C to T substitution at nucleotide position 1441, causing the arginine (R) at amino acid position 481 to be replaced by a tryptophan (W). Based on data from gnomAD, the T allele has an overall frequency of 0.002% (4/252476) total alleles studied. The highest observed frequency was 0.013% (3/22526) of African alleles. This amino acid position is not well conserved in available vertebrate species. In an assay testing NAGLU function, this variant showed a functionally abnormal result (Clark, 2018). This alteration is predicted to be deleterious by in silico analysis. Based on insufficient or conflicting evidence, the clinical significance of this alteration remains unclear.

Women's Health and Genetics/Laboratory Corporation of America, LabCorp
Classification: Uncertain significance. Last evaluated: 2023-06-12. Review status: criteria provided, single submitter. Criteria: LabCorp Variant Classification Summary - May 2015. Collection method: clinical testing. Allele origin: germline.
Comment: Variant summary: NAGLU c.1441C>T (p.Arg481Trp) results in a non-conservative amino acid change located in the C-terminal domain (IPR024732) of the encoded protein sequence. Five of five in-silico tools predict a damaging effect of the variant on protein function. The variant allele was found at a frequency of 1.4e-05 in 221088 control chromosomes (gnomAD, v2.1 Exomes dataset). The available data on variant occurrences in the general population are insufficient to allow any conclusion about variant significance. To our knowledge, no occurrence of c.1441C>T in individuals affected with Mucopolysaccharidosis Type IIIB (Sanfilippo Syndrome B) has been reported. At least one publication reports experimental evidence evaluating an impact on protein function, finding that the most pronounced variant effect results in <10% of normal enzymatic activity (e.g., Clark_2018). The following publication was ascertained in the context of this evaluation (PMID: 29979746). Two ClinVar submitters (evaluation after 2014) have cited the variant, and both submitters classified the variant as uncertain significance. Based on the evidence outlined above, the variant was classified as VUS-possibly pathogenic.

Labcorp Genetics (formerly Invitae), Labcorp
Classification: Uncertain significance for Charcot-Marie-Tooth disease axonal type 2V; Mucopolysaccharidosis, MPS-III-B. Last evaluated: 2022-08-20. Review status: criteria provided, single submitter. Criteria: Invitae Variant Classification Sherloc (09022015). Collection method: clinical testing. Allele origin: germline.
Comment: This sequence change replaces arginine, which is basic and polar, with tryptophan, which is neutral and slightly polar, at codon 481 of the NAGLU protein (p.Arg481Trp). The frequency data for this variant in the population databases is considered unreliable, as metrics indicate poor data quality at this position in the gnomAD database. This variant has not been reported in the literature in individuals affected with NAGLU-related conditions. ClinVar contains an entry for this variant (Variation ID: 1421903). Advanced modeling of protein sequence and biophysical properties (such as structural, functional, and spatial information, amino acid conservation, physicochemical variation, residue mobility, and thermodynamic stability) performed at Invitae indicates that this missense variant is expected to disrupt NAGLU protein function. Experimental studies have shown that this missense change affects NAGLU function (PMID: 29979746). In summary, the available evidence is currently insufficient to determine the role of this variant in disease. Therefore, it has been classified as a Variant of Uncertain Significance.

Greenwood Genetic Center Diagnostic Laboratories, Greenwood Genetic Center
Classification: Uncertain significance. Last evaluated: 2022-03-31. Review status: criteria provided, single submitter. Criteria: ACMG Guidelines, 2015. Collection method: clinical testing. Allele origin: germline. Affected: yes.
Comment: PS3_Supporting, PM2, PP3

Clinical Genetics Service, Universitary Hospital 12 de Octubre
Classification: Likely pathogenic for Mucopolysaccharidosis, MPS-III-B. Review status: criteria provided, single submitter. Criteria: ACMG Guidelines, 2015. Collection method: clinical testing. Allele origin: germline. Affected: yes.

Literature cited by the submitters: PubMed 29979746 (cited by 3 submitters).